The following is an entry in ClinVar:

ClinVar aggregate classification (germline): Benign/Likely benign. Review status: criteria provided, multiple submitters, no conflicts (2 of 4 stars). 12 submissions from 11 submitters: Benign (7); Likely benign (3). 2 of the submissions do not count toward it. Last evaluated 2026-04-14.

Conditions:
Familial intrahepatic cholestasis. Identifiers: Orphanet 284385, MedGen CN296401, MONDO:0017290.
Low phospholipid associated cholelithiasis (GBD1). Also called: Gallbladder disease 1; Gallstone cholecystitis. Identifiers: Orphanet 69663, MedGen C2609268, MONDO:0010939, OMIM 600803.
Cholestasis, intrahepatic, of pregnancy, 3. Identifiers: Orphanet 69665, MedGen C3554241, MONDO:0013995, OMIM 614972.
Progressive familial intrahepatic cholestasis type 3. Also called: MDR3 DEFICIENCY; Low Gamma-GT Familial Intrahepatic Cholestasis. Identifiers: Orphanet 79305, MedGen C1865643, MONDO:0011214, OMIM 602347.

Allele frequency attached by ClinVar (database versions not stated): ExAC 0.00752; gnomAD 0.02405 and 0.02594; 1000 Genomes Project 0.02556; ESP Exome Variant Server 0.02568; 1000 Genomes Project 30x 0.02701; TOPMed 0.02772.
gnomAD v4.1: 7,371 of 1,614,034 alleles (0.46%); highest among the groups gnomAD compares: African/African-American, 8.1%; 270 homozygotes.

Submissions (12):

Genomenon, Inc
Classification: Benign for Familial intrahepatic cholestasis; Low phospholipid associated cholelithiasis. Last evaluated: 2026-04-14. Review status: criteria provided, single submitter. Criteria: Genomenon Sequence Variant Interpretation Standards - Updated. Collection method: curation. Allele origin: germline. Affected: no.
Comment: ABCB4 p.Arg788Gln (c.2363G>A) is a missense variant that changes the amino acid at residue 788 from Arginine to Glutamine. This variant is present at high allele frequency in population databases. We classify ABCB4 p.Arg788Gln (c.2363G>A) as a benign variant.

Labcorp Genetics (formerly Invitae), Labcorp
Classification: Benign. Last evaluated: 2026-02-01. Review status: criteria provided, single submitter. Criteria: Invitae Variant Classification Sherloc (09022015). Collection method: clinical testing. Allele origin: germline.

Mayo Clinic Laboratories, Mayo Clinic
Classification: Likely benign. Last evaluated: 2025-08-29. Review status: criteria provided, single submitter. Criteria: ACMG Guidelines, 2015. Collection method: clinical testing. Allele origin: germline. Observed: 10 variant alleles.
Comment: BA1

Women's Health and Genetics/Laboratory Corporation of America, LabCorp
Classification: Likely benign. Last evaluated: 2021-12-10. Review status: criteria provided, single submitter. Criteria: LabCorp Variant Classification Summary - May 2015. Collection method: clinical testing. Allele origin: germline.

Illumina Laboratory Services, Illumina
Classification: Benign for Cholestasis, intrahepatic, of pregnancy, 3. Last evaluated: 2017-04-28. Review status: criteria provided, single submitter. Criteria: ICSL Variant Classification Criteria 13 December 2019. Collection method: clinical testing. Allele origin: germline.
Comment: This variant was observed as part of a predisposition screen in an ostensibly healthy population. A literature search was performed for the gene, cDNA change, and amino acid change (where applicable). Publications were found based on this search. The evidence from the literature, in combination with allele frequency data from public databases where available, was sufficient to rule this variant out of causing disease. Therefore, this variant is classified as benign.

Illumina Laboratory Services, Illumina
Classification: Benign for Progressive familial intrahepatic cholestasis type 3. Last evaluated: 2017-04-28. Review status: criteria provided, single submitter. Criteria: ICSL Variant Classification Criteria 13 December 2019. Collection method: clinical testing. Allele origin: germline.
Comment: the same text as in the submission from Illumina Laboratory Services, Illumina above.

GeneDx
Classification: Benign. Last evaluated: 2016-02-19. Review status: criteria provided, single submitter. Criteria: GeneDx Variant Classification (06012015). Collection method: clinical testing. Allele origin: germline. Affected: yes.
Comment: This variant is considered likely benign or benign based on one or more of the following criteria: it is a conservative change, it occurs at a poorly conserved position in the protein, it is predicted to be benign by multiple in silico algorithms, and/or has population frequency not consistent with disease.

Eurofins Ntd Llc (ga)
Classification: Benign. Last evaluated: 2015-05-14. Review status: criteria provided, single submitter. Criteria: EGL Classification Definitions 2015. Collection method: clinical testing. Allele origin: germline. Observed: 1 variant allele, 1 heterozygote.

Breakthrough Genomics
Classification: Likely benign. Review status: criteria provided, single submitter. Criteria: ACMG Guidelines, 2015. Collection method: not provided. Allele origin: germline. Inheritance: Autosomal recessive inheritance. Affected: yes.

PreventionGenetics, part of Exact Sciences
Classification: Benign. Review status: criteria provided, single submitter. Criteria: ACMG Guidelines, 2015. Collection method: clinical testing. Allele origin: germline.

Diagnostic Laboratory, Department of Genetics, University Medical Center Groningen
Classification: Benign. Review status: no assertion criteria provided. Collection method: clinical testing. Allele origin: germline. Affected: yes. Study: VKGL Data-share Consensus. Not counted in ClinVar's aggregate classification.

Genome Diagnostics Laboratory, University Medical Center Utrecht
Classification: Benign. Review status: no assertion criteria provided. Collection method: clinical testing. Allele origin: germline. Affected: yes. Study: VKGL Data-share Consensus. Not counted in ClinVar's aggregate classification.

Literature cited by the submitters: PubMed 23217326 (cited by Illumina Laboratory Services, Illumina); PubMed 20849526 (cited by Illumina Laboratory Services, Illumina); PubMed 12891548 (cited by Illumina Laboratory Services, Illumina); PubMed 23533021 (cited by Illumina Laboratory Services, Illumina); PubMed 23820649 (cited by Illumina Laboratory Services, Illumina).

NM_000443.4(ABCB4):c.2363G>A (p.Arg788Gln)

Gene: ABCB4 (ATP binding cassette subfamily B member 4; minus strand). Cytogenetic location: 7q21.12.
Variant type: single nucleotide variant.
Coding change: c.2363G>A on transcript NM_000443.4 (MANE Select); coding-DNA position 2363, G replaced by A.
Protein change: p.Arg788Gln; replaces arginine 788 with glutamine.
Molecular consequence: missense variant.
Genome position (GRCh38, 1-based): chr7:87,420,029, C>T on the plus strand (G>A on the coding strand, the complement: ABCB4 is on the minus strand). VCF-style: chr7-87420029-C-T. GRCh37 (hg19) VCF-style: chr7-87049345-C-T.
Other names: c.2363G>A, p.Arg788Gln (NM_018849.3, NM_018850.3); short protein forms R788Q.
Identifiers: ClinVar variation 194921 (VCV000194921.26), dbSNP rs8187801, ClinGen allele CA201441.
Genomic context (GRCh38, chr7:87,420,029, plus strand): 5'-AGAAGGCATTCTCCAGCGCACACTCCTACCTGTCTTAGCATTGCTTTAAAAGCCATTGAC[C>T]GCAGTCTTCTGGTGAGGATCTCGCCAGCTTTCCCAAACGTGAAACCCTGGTTGAGAAAAA-3'
Protein context (NP_000434.1, residues 778-798): KAGEILTRRL[Arg788Gln]SMAFKAMLRQ